The following is an entry in ClinVar:

NM_001267550.2(TTN):c.56747T>A (p.Val18916Glu)

Genes: TTN (titin; minus strand), TTN-AS1 (TTN antisense RNA 1; plus strand). Cytogenetic location: 2q31.2.
Variant type: single nucleotide variant.
Coding change: c.56747T>A on transcript NM_001267550.2 (MANE Select); coding-DNA position 56747, T replaced by A.
Protein change: p.Val18916Glu; replaces valine 18916 with glutamic acid.
Molecular consequence: missense variant.
Genome position (GRCh38, 1-based): chr2:178,598,963, A>T on the plus strand (T>A on the coding strand, the complement: TTN is on the minus strand). VCF-style: chr2-178598963-A-T. GRCh37 (hg19) VCF-style: chr2-179463690-A-T.
Other names: c.49043T>A, p.Val16348Glu (NM_133378.4); c.51824T>A, p.Val17275Glu (NM_001256850.1); c.29552T>A, p.Val9851Glu (NM_003319.4); c.29927T>A, p.Val9976Glu (NM_133432.3); c.30128T>A, p.Val10043Glu (NM_133437.4); short protein forms V16348E, V18916E, V9851E, V9976E, V10043E, V17275E.
Identifiers: ClinVar variation 517282 (VCV000517282.9), dbSNP rs1296926879, ClinGen allele CA349527354.

ClinVar aggregate classification (germline): Conflicting classifications of pathogenicity. Review status: criteria provided, conflicting classifications (1 of 4 stars). 3 submissions from 3 submitters: Uncertain significance (2); Likely benign (1). Last evaluated 2025-04-09.

Allele frequency attached by ClinVar (database versions not stated): gnomAD 0.00001; gnomAD exomes 0.00001; TOPMed 0.00001.
gnomAD v4.1: 15 of 1,612,562 alleles (0.00093%); highest among the groups gnomAD compares: South Asian, 0.0022%; no homozygotes.

Submissions (3):

Molecular Diagnostic Laboratory for Inherited Cardiovascular Disease, Montreal Heart Institute
Classification: Likely benign. Last evaluated: 2025-04-09. Review status: criteria provided, single submitter. Criteria: ACMG Guidelines, 2015. Collection method: clinical testing. Allele origin: germline. Affected: no.

Revvity Omics, Revvity
Classification: Uncertain significance. Last evaluated: 2020-01-23. Review status: criteria provided, single submitter. Criteria: ACMG Guidelines, 2015. Collection method: clinical testing. Allele origin: germline.

Laboratory for Molecular Medicine, Mass General Brigham Personalized Medicine
Classification: Uncertain significance. Last evaluated: 2017-03-06. Review status: criteria provided, single submitter. Criteria: LMM Criteria. Collection method: clinical testing. Allele origin: germline. Observed: 2 variant alleles.
Comment: The p.Val16348Glu variant in TTN has not been previously reported in individuals with cardiomyopathy or in large population studies. Computational prediction to ols and conservation analysis suggest that the p.Val16348Glu variant may impact the protein, though this information is not predictive enough to determine patho genicity. In summary, the clinical significance of the p.Val16348Glu variant is uncertain.